The following is an entry in ClinVar:

NM_020949.3(SLC7A14):c.2292T>A (p.Asp764Glu)

Gene: SLC7A14 (solute carrier family 7 member 14; minus strand). Cytogenetic location: 3q26.2.
Variant type: single nucleotide variant.
Coding change: c.2292T>A on transcript NM_020949.3 (MANE Select); coding-DNA position 2292, T replaced by A.
Protein change: p.Asp764Glu; replaces aspartic acid 764 with glutamic acid.
Molecular consequence: missense variant.
Genome position (GRCh38, 1-based): chr3:170,467,079, A>T on the plus strand (T>A on the coding strand, the complement: SLC7A14 is on the minus strand). VCF-style: chr3-170467079-A-T. GRCh37 (hg19) VCF-style: chr3-170184867-A-T.
Other names: short protein forms D764E.
Identifiers: ClinVar variation 1058371 (VCV001058371.9), dbSNP rs753289366, ClinGen allele CA2701464.

ClinVar aggregate classification (germline): Uncertain significance (1 of 4 stars; one submission).

Allele frequency attached by ClinVar (database versions not stated): gnomAD exomes 0.00001; ExAC 0.00002.
gnomAD v4.1: 3 of 1,612,406 alleles (0.00019%); highest among the groups gnomAD compares: Admixed American, 0.005%; no homozygotes.

Submission:

Labcorp Genetics (formerly Invitae), Labcorp
Classification: Uncertain significance. Last evaluated: 2022-02-05. Review status: criteria provided, single submitter. Criteria: Invitae Variant Classification Sherloc (09022015). Collection method: clinical testing. Allele origin: germline.
Comment: In summary, the available evidence is currently insufficient to determine the role of this variant in disease. Therefore, it has been classified as a Variant of Uncertain Significance. Algorithms developed to predict the effect of missense changes on protein structure and function output the following: SIFT: "Tolerated"; PolyPhen-2: "Probably Damaging"; Align-GVGD: "Class C0". The glutamic acid amino acid residue is found in multiple mammalian species, which suggests that this missense change does not adversely affect protein function. ClinVar contains an entry for this variant (Variation ID: 1058371). This variant has not been reported in the literature in individuals affected with SLC7A14-related conditions. This variant is present in population databases (rs753289366, gnomAD 0.006%). This sequence change replaces aspartic acid, which is acidic and polar, with glutamic acid, which is acidic and polar, at codon 764 of the SLC7A14 protein (p.Asp764Glu).